The following is an entry in ClinVar:

NM_000038.6(APC):c.7391C>A (p.Ser2464Tyr)

Gene: APC (APC regulator of Wnt signaling pathway; plus strand). Cytogenetic location: 5q22.2.
Variant type: single nucleotide variant.
Coding change: c.7391C>A on transcript NM_000038.6 (MANE Select); coding-DNA position 7391, C replaced by A.
Protein change: p.Ser2464Tyr; replaces serine 2464 with tyrosine.
Molecular consequence: missense variant.
Genome position (GRCh38, 1-based): chr5:112,842,985, C>A. VCF-style: chr5-112842985-C-A. GRCh37 (hg19) VCF-style: chr5-112178682-C-A.
Other names: c.7391C>A, p.Ser2464Tyr (NM_001127510.3, NM_001354895.2); c.7337C>A, p.Ser2446Tyr (NM_001127511.3); c.7445C>A, p.Ser2482Tyr (NM_001354896.2); c.7421C>A, p.Ser2474Tyr (NM_001354897.2); c.7316C>A, p.Ser2439Tyr (NM_001354898.2); c.7307C>A, p.Ser2436Tyr (NM_001354899.2); c.7268C>A, p.Ser2423Tyr (NM_001354900.2); c.7214C>A, p.Ser2405Tyr (NM_001354901.2); and 5 more; short protein forms S2446Y, S2464Y, S2405Y, S2338Y, S2436Y, S2439Y, S2181Y, S2304Y.
Identifiers: ClinVar variation 236643 (VCV000236643.25), dbSNP rs766473931, ClinGen allele CA047889.
Genomic context (GRCh38, chr5:112,842,985, plus strand): 5'-TCAAAGAAGCTCCAAGCCCAACCTTAAGAAGAAAATTGGAGGAATCTGCTTCATTTGAAT[C>A]TCTTTCTCCATCATCTAGACCAGCTTCTCCCACTAGGTCCCAGGCACAAACTCCAGTTTT-3'
Protein context (NP_000029.2, residues 2454-2474): RKLEESASFE[Ser2464Tyr]LSPSSRPASP

ClinVar aggregate classification (germline): Conflicting classifications of pathogenicity. Review status: criteria provided, conflicting classifications (1 of 4 stars). 7 submissions from 7 submitters: Uncertain significance (6); Likely benign (1). Last evaluated 2025-10-01.

Conditions:
Classic or attenuated familial adenomatous polyposis. Identifiers: MedGen CN372698, MONDO:0021057.
Hereditary cancer-predisposing syndrome. Also called: Neoplastic Syndromes, Hereditary; Hereditary Cancer Syndrome; Tumor predisposition; Hereditary neoplastic syndrome. Identifiers: Orphanet 140162, MedGen C0027672, MeSH D009386, MONDO:0015356.
Familial adenomatous polyposis 1 (FAP1). Also called: FAMILIAL ADENOMATOUS POLYPOSIS 1, ATTENUATED; POLYPOSIS, ADENOMATOUS INTESTINAL. Identifiers: MedGen C2713442, MONDO:0021056, OMIM 175100. Disease mechanism: loss of function.

Allele frequency attached by ClinVar (database versions not stated): gnomAD exomes 0.00002; TOPMed 0.00002; ExAC 0.00003.
gnomAD v4.1: 5 of 1,613,966 alleles (0.00031%); highest among the groups gnomAD compares: Admixed American, 0.005%; no homozygotes.

Submissions (7):

Labcorp Genetics (formerly Invitae), Labcorp
Classification: Uncertain significance for Familial adenomatous polyposis 1. Last evaluated: 2025-10-01. Review status: criteria provided, single submitter. Criteria: Invitae Variant Classification Sherloc (09022015). Collection method: clinical testing. Allele origin: germline.
Comment: This sequence change replaces serine, which is neutral and polar, with tyrosine, which is neutral and polar, at codon 2464 of the APC protein (p.Ser2464Tyr). This variant is present in population databases (rs766473931, gnomAD 0.006%). This variant has not been reported in the literature in individuals affected with APC-related conditions. ClinVar contains an entry for this variant (Variation ID: 236643). Invitae Evidence Modeling of protein sequence and biophysical properties (such as structural, functional, and spatial information, amino acid conservation, physicochemical variation, residue mobility, and thermodynamic stability) indicates that this missense variant is not expected to disrupt APC protein function with a negative predictive value of 95%. In summary, the available evidence is currently insufficient to determine the role of this variant in disease. Therefore, it has been classified as a Variant of Uncertain Significance.

Color Diagnostics, LLC DBA Color Health
Classification: Uncertain significance for Hereditary cancer-predisposing syndrome. Last evaluated: 2024-07-26. Review status: criteria provided, single submitter. Criteria: ACMG Guidelines, 2015. Collection method: clinical testing. Allele origin: germline.
Comment: This missense variant replaces serine with tyrosine at codon 2464 of the APC protein. Computational prediction is inconclusive regarding the impact of this variant on protein structure and function (internally defined REVEL score threshold 0.5 < inconclusive < 0.7, PMID: 27666373). To our knowledge, functional studies have not been reported for this variant. This variant has not been reported in individuals affected with APC-related disorders in the literature. This variant has been identified in 4/251042 chromosomes in the general population by the Genome Aggregation Database (gnomAD). The available evidence is insufficient to determine the role of this variant in disease conclusively. Therefore, this variant is classified as a Variant of Uncertain Significance.

All of Us Research Program, National Institutes of Health
Classification: Uncertain significance for Classic or attenuated familial adenomatous polyposis. Last evaluated: 2024-03-28. Review status: criteria provided, single submitter. Criteria: ACMG Guidelines, 2015. Collection method: clinical testing. Allele origin: germline. Inheritance: Autosomal dominant inheritance. Observed: 2 variant alleles, 2 heterozygotes.
Comment: This missense variant replaces serine with tyrosine at codon 2464 of the APC protein. Computational prediction is inconclusive regarding the impact of this variant on protein structure and function (internally defined REVEL score threshold 0.5 < inconclusive < 0.7, PMID: 27666373). To our knowledge, functional studies have not been reported for this variant. This variant has not been reported in individuals affected with hereditary cancer in the literature. This variant has been identified in 4/251042 chromosomes in the general population by the Genome Aggregation Database (gnomAD). The available evidence is insufficient to determine the role of this variant in disease conclusively. Therefore, this variant is classified as a Variant of Uncertain Significance.

This study involves interpretation of variants in research participants for the purpose of population health screening. Participant phenotype was not available at the time of variant classification. Additional details can be found in publication PMID: 35346344, PMCID: PMC8962531

Baylor Genetics
Classification: Uncertain significance for Familial adenomatous polyposis 1. Last evaluated: 2023-07-27. Review status: criteria provided, single submitter. Criteria: ACMG Guidelines, 2015. Collection method: clinical testing. Allele origin: unknown.

Blueprint Genetics
Classification: Uncertain significance. Last evaluated: 2023-02-06. Review status: criteria provided, single submitter. Criteria: ACMG Guidelines, 2015. Collection method: clinical testing. Allele origin: germline.

Ambry Genetics
Classification: Likely benign for Hereditary cancer-predisposing syndrome. Last evaluated: 2021-05-25. Review status: criteria provided, single submitter. Criteria: Ambry Variant Classification Scheme 2023. Collection method: clinical testing. Allele origin: germline.

GeneDx
Classification: Uncertain significance. Last evaluated: 2016-05-24. Review status: criteria provided, single submitter. Criteria: GeneDx Variant Classification (06012015). Collection method: clinical testing. Allele origin: germline. Affected: yes.
Comment: This variant is denoted APC c.7391C>A at the cDNA level, p.Ser2464Tyr (S2464Y) at the protein level, and results in the change of a Serine to a Tyrosine (TCT>TAT). This variant has not, to our knowledge, been published in the literature as either a pathogenic germline variant or a benign polymorphism. However, it has been reported as a somatic variant in The Cancer Genome Atlas of tumors (Gnad 2015). APC Ser2464Tyr was not observed in approximately 6,500 individuals of European and African American ancestry in the NHLBI Exome Sequencing Project, suggesting it is not a common benign variant in these populations. Since Serine and Tyrosine differ in some properties, this is considered a semi-conservative amino acid substitution. APC Ser2464Tyr occurs at a position that is conserved across species and is not located in a known functional domain (Azzopardi 2008). In silico analyses predict that this variant is probably damaging to protein structure and function. Based on currently available evidence, it is unclear whether APC Ser2464Tyr is a pathogenic or benign variant. We consider it to be a variant of uncertain significance.